The following is an entry in ClinVar:

ClinVar aggregate classification (germline): Uncertain significance (1 of 4 stars; one submission).

Submission:

GeneDx
Classification: Uncertain significance. Last evaluated: 2022-04-19. Review status: criteria provided, single submitter. Criteria: GeneDx Variant Classification Process June 2021. Collection method: clinical testing. Allele origin: germline. Affected: yes.
Comment: Not observed at significant frequency in large population cohorts (gnomAD); In silico analysis supports that this missense variant does not alter protein structure/function; Has not been previously published as pathogenic or benign to our knowledge

NM_001385012.1(NBEA):c.154G>T (p.Gly52Cys)

Gene: NBEA (neurobeachin; plus strand). Cytogenetic location: 13q13.3.
Variant type: single nucleotide variant.
Coding change: c.154G>T on transcript NM_001385012.1 (MANE Select); coding-DNA position 154, G replaced by T.
Protein change: p.Gly52Cys; replaces glycine 52 with cysteine.
Molecular consequence: missense variant.
Genome position (GRCh38, 1-based): chr13:34,942,974, G>T. VCF-style: chr13-34942974-G-T. GRCh37 (hg19) VCF-style: chr13-35517111-G-T.
Other names: c.154G>T, p.Gly52Cys (NM_001379245.1, NM_015678.5); short protein forms G52C.
Identifiers: ClinVar variation 1722972 (VCV001722972.2), dbSNP rs2500556795, ClinGen allele CA387832244.